The following is an entry in ClinVar:

ClinVar aggregate classification (germline): Uncertain significance (1 of 4 stars; one submission).

Conditions:
Peroxisome biogenesis disorder 12A (Zellweger). Also called: Peroxisome biogenesis disorder 12A. Identifiers: Orphanet 912, MedGen C3554002, MONDO:0013951, OMIM 614886.

Submission:

Labcorp Genetics (formerly Invitae), Labcorp
Classification: Uncertain significance for Peroxisome biogenesis disorder 12A (Zellweger). Last evaluated: 2021-12-03. Review status: criteria provided, single submitter. Criteria: Invitae Variant Classification Sherloc (09022015). Collection method: clinical testing. Allele origin: germline.
Comment: In summary, the available evidence is currently insufficient to determine the role of this variant in disease. Therefore, it has been classified as a Variant of Uncertain Significance. Algorithms developed to predict the effect of sequence changes on RNA splicing suggest that this variant may create or strengthen a splice site. This sequence change replaces glycine, which is neutral and non-polar, with valine, which is neutral and non-polar, at codon 113 of the PEX19 protein (p.Gly113Val). This variant is not present in population databases (gnomAD no frequency). This variant has not been reported in the literature in individuals affected with PEX19-related conditions. Algorithms developed to predict the effect of missense changes on protein structure and function are either unavailable or do not agree on the potential impact of this missense change (SIFT: "Tolerated"; PolyPhen-2: "Probably Damaging"; Align-GVGD: "Class C0").

NM_002857.4(PEX19):c.338G>T (p.Gly113Val)

Gene: PEX19 (peroxisomal biogenesis factor 19; minus strand). Cytogenetic location: 1q23.2.
Variant type: single nucleotide variant.
Coding change: c.338G>T on transcript NM_002857.4 (MANE Select); coding-DNA position 338, G replaced by T.
Protein change: p.Gly113Val; replaces glycine 113 with valine.
Molecular consequence: missense variant. On other transcripts: non-coding transcript variant (2).
Genome position (GRCh38, 1-based): chr1:160,282,952, C>A on the plus strand (G>T on the coding strand, the complement: PEX19 is on the minus strand). VCF-style: chr1-160282952-C-A. GRCh37 (hg19) VCF-style: chr1-160252742-C-A.
Other names: c.338G>T, p.Gly113Val (NM_001193644.1); short protein forms G113V.
Identifiers: ClinVar variation 1360686 (VCV001360686.6), dbSNP rs2101804477, ClinGen allele CA343262775.
Genomic context (GRCh38, chr1:160,282,952, plus strand): 5'-CAAAGACTTAAGAGTCTGTTCAGATATTTCCATGTATCTGGGGTCTCCTCACCCACTCTC[C>A]CTGCAGCCTCTGAGAGCTTTTGGAACTGCTCCACCAGGTGGGGTTCTTCCTCAGCCAACT-3'
Protein context (NP_002848.1, residues 103-123): EQFQKLSEAA[Gly113Val]RVGSDMTSQQ